The following is an entry in ClinVar:

NM_001759.4(CCND2):c.-171C>T

Genes: CCND2 (cyclin D2; plus strand), CCND2-AS1 (CCND2 antisense RNA 1; minus strand). Cytogenetic location: 12p13.32.
Variant type: single nucleotide variant.
Coding change: c.-171C>T on transcript NM_001759.4 (MANE Select); 171 bases upstream of the start codon, C replaced by T.
Molecular consequence: 5 prime UTR variant.
Genome position (GRCh38, 1-based): chr12:4,273,870, C>T. VCF-style: chr12-4273870-C-T. GRCh37 (hg19) VCF-style: chr12-4383036-C-T.
Identifiers: ClinVar variation 678294 (VCV000678294.2), dbSNP rs1049606, ClinGen allele CA13577777.

ClinVar aggregate classification (germline): Benign. Review status: criteria provided, multiple submitters, no conflicts (2 of 4 stars). 2 submissions from 2 submitters: Benign (2). Last evaluated 2018-06-14.

Allele frequency attached by ClinVar (database versions not stated): gnomAD exomes 0.57844; gnomAD 0.57943 and 0.58147; 1000 Genomes Project 0.58606; 1000 Genomes Project 30x 0.58666; TOPMed 0.59883.
gnomAD v4.1: 383,693 of 661,906 alleles (58%); highest among the groups gnomAD compares: Admixed American, 68%; 112,200 homozygotes.

Submissions (2):

GeneDx
Classification: Benign. Last evaluated: 2018-06-14. Review status: criteria provided, single submitter. Criteria: GeneDx Variant Classification (06012015). Collection method: clinical testing. Allele origin: germline. Affected: yes.
Comment: This variant is considered likely benign or benign based on one or more of the following criteria: it is a conservative change, it occurs at a poorly conserved position in the protein, it is predicted to be benign by multiple in silico algorithms, and/or has population frequency not consistent with disease.

Breakthrough Genomics
Classification: Benign. Review status: criteria provided, single submitter. Criteria: ACMG Guidelines, 2015. Collection method: not provided. Allele origin: germline. Inheritance: Autosomal dominant inheritance. Affected: yes.